The following is an entry in ClinVar:

ClinVar aggregate classification (germline): Uncertain significance (1 of 4 stars; one submission).

Submission:

Dasa
Classification: Uncertain significance. Last evaluated: 2024-12-12. Review status: criteria provided, single submitter. Criteria: DASA Assertion Criteria. Collection method: clinical testing. Allele origin: germline.
Comment: NM_001323289.2(CDKL5):c.518C>T (p.Ala173Val) is a missense variant that results in the substitution of alanine with valine. The affected residue or protein region has prior evidence supporting clinical relevance. This variant is absent from population databases. The currently available literature and clinical evidence are not sufficient to establish a definitive association between this variant and the reported condition. Therefore, this variant is classified as a variant of uncertain significance.

NM_001323289.2(CDKL5):c.518C>T (p.Ala173Val)

Gene: CDKL5 (cyclin dependent kinase like 5; plus strand). Cytogenetic location: Xp22.13.
Variant type: single nucleotide variant.
Coding change: c.518C>T on transcript NM_001323289.2 (MANE Select); coding-DNA position 518, C replaced by T.
Protein change: p.Ala173Val; replaces alanine 173 with valine.
Molecular consequence: missense variant.
Genome position (GRCh38, 1-based): chrX:18,584,317, C>T. VCF-style: chrX-18584317-C-T. GRCh37 (hg19) VCF-style: chrX-18602437-C-T.
Other names: c.518C>T, p.Ala173Val (NM_001037343.2, NM_003159.3); short protein forms A173V.
Identifiers: ClinVar variation 4882466 (VCV004882466.2).